The following is an entry in ClinVar:

NM_080669.6(SLC46A1):c.*4035G>A

Genes: SARM1 (sterile alpha and TIR motif containing 1; plus strand), SLC46A1 (solute carrier family 46 member 1; minus strand). Cytogenetic location: 17q11.2.
Variant type: single nucleotide variant.
Coding change: c.*4035G>A on transcript NM_080669.6 (MANE Select); 4035 bases downstream of the stop codon, G replaced by A.
Molecular consequence: 3 prime UTR variant. On other transcripts: intron variant (1).
Genome position (GRCh38, 1-based): chr17:28,395,621, C>T on the plus strand (G>A on the coding strand, the complement: SLC46A1 is on the minus strand). VCF-style: chr17-28395621-C-T. GRCh37 (hg19) VCF-style: chr17-26722640-C-T.
Other names: c.*4035G>A (NM_001242366.3); c.1924-284C>T (NM_015077.4).
Identifiers: ClinVar variation 890271 (VCV000890271.4), dbSNP rs569679076, ClinGen allele CA289110856.

ClinVar aggregate classification (germline): Likely benign (1 of 4 stars; one submission).

Conditions:
Congenital defect of folate absorption. Also called: Hereditary Folate Malabsorption. Identifiers: Orphanet 90045, MedGen C0342705, MONDO:0009238, OMIM 229050.

Allele frequency attached by ClinVar (database versions not stated): gnomAD below 0.00001 and 0.00010; TOPMed 0.00001; gnomAD exomes 0.00007; 1000 Genomes Project 0.00060; 1000 Genomes Project 30x 0.00078.
gnomAD v4.1: 30 of 364,938 alleles (0.0082%); highest among the groups gnomAD compares: South Asian, 0.097%; no homozygotes.

Submission:

Illumina Laboratory Services, Illumina
Classification: Likely benign for Congenital defect of folate absorption. Last evaluated: 2018-01-12. Review status: criteria provided, single submitter. Criteria: ICSL Variant Classification Criteria 13 December 2019. Collection method: clinical testing. Allele origin: germline.
Comment: This variant was observed in the ICSL laboratory as part of a predisposition screen in an ostensibly healthy population. It had not been previously curated by ICSL or reported in the Human Gene Mutation Database (HGMD: prior to June 1st, 2018), and was therefore a candidate for classification through an automated scoring system. Utilizing variant allele frequency, disease prevalence and penetrance estimates, and inheritance mode, an automated score was calculated to assess if this variant is too frequent to cause the disease. Based on the score and internal cut-off values, a variant classified as likely benign is not then subjected to further curation. The score for this variant resulted in a classification of likely benign for this disease.